The following is an entry in ClinVar:

NM_001384474.1(LOXHD1):c.337G>A (p.Asp113Asn)

Gene: LOXHD1 (lipoxygenase homology PLAT domains 1; minus strand). Cytogenetic location: 18q21.1.
Variant type: single nucleotide variant.
Coding change: c.337G>A on transcript NM_001384474.1 (MANE Select); coding-DNA position 337, G replaced by A.
Protein change: p.Asp113Asn; replaces aspartic acid 113 with asparagine.
Molecular consequence: missense variant.
Genome position (GRCh38, 1-based): chr18:46,639,790, C>T on the plus strand (G>A on the coding strand, the complement: LOXHD1 is on the minus strand). VCF-style: chr18-46639790-C-T. GRCh37 (hg19) VCF-style: chr18-44219753-C-T.
Other names: c.337G>A, p.Asp113Asn (NM_144612.7); short protein forms D113N.
Identifiers: ClinVar variation 2039150 (VCV002039150.2), dbSNP rs923607482, ClinGen allele CA299810419.

ClinVar aggregate classification (germline): Uncertain significance. Review status: criteria provided, multiple submitters, no conflicts (2 of 4 stars). 2 submissions from 2 submitters: Uncertain significance (2). Last evaluated 2024-10-24.

Allele frequency attached by ClinVar (database versions not stated): gnomAD exomes 0.00002; gnomAD 0.00003; TOPMed 0.00005.
gnomAD v4.1: 42 of 1,551,596 alleles (0.0027%); highest among the groups gnomAD compares: Middle Eastern, 0.1%; no homozygotes.

Submissions (2):

Blueprint Genetics
Classification: Uncertain significance. Last evaluated: 2024-10-24. Review status: criteria provided, single submitter. Criteria: ACMG Guidelines, 2015. Collection method: clinical testing. Allele origin: germline.

Labcorp Genetics (formerly Invitae), Labcorp
Classification: Uncertain significance. Last evaluated: 2021-12-30. Review status: criteria provided, single submitter. Criteria: Invitae Variant Classification Sherloc (09022015). Collection method: clinical testing. Allele origin: germline.
Comment: This sequence change replaces aspartic acid, which is acidic and polar, with asparagine, which is neutral and polar, at codon 113 of the LOXHD1 protein (p.Asp113Asn). This variant is present in population databases (no rsID available, gnomAD 0.007%). This variant has not been reported in the literature in individuals affected with LOXHD1-related conditions. Algorithms developed to predict the effect of missense changes on protein structure and function are either unavailable or do not agree on the potential impact of this missense change (SIFT: "Deleterious"; PolyPhen-2: "Benign"; Align-GVGD: "Class C0"). In summary, the available evidence is currently insufficient to determine the role of this variant in disease. Therefore, it has been classified as a Variant of Uncertain Significance.